The following is an entry in ClinVar:

NM_000088.4(COL1A1):c.3855T>A (p.Asp1285Glu)

Gene: COL1A1 (collagen type I alpha 1 chain; minus strand). Cytogenetic location: 17q21.33.
Variant type: single nucleotide variant.
Coding change: c.3855T>A on transcript NM_000088.4 (MANE Select); coding-DNA position 3855, T replaced by A.
Protein change: p.Asp1285Glu; replaces aspartic acid 1285 with glutamic acid.
Molecular consequence: missense variant.
Genome position (GRCh38, 1-based): chr17:50,186,467, A>T on the plus strand (T>A on the coding strand, the complement: COL1A1 is on the minus strand). VCF-style: chr17-50186467-A-T. GRCh37 (hg19) VCF-style: chr17-48263828-A-T.
Other names: short protein forms D1285E.
Identifiers: ClinVar variation 1455998 (VCV001455998.9), dbSNP rs1598285068, ClinGen allele CA400193833.

ClinVar aggregate classification (germline): Pathogenic/Likely pathogenic. Review status: criteria provided, multiple submitters, no conflicts (2 of 4 stars). 2 submissions from 2 submitters: Pathogenic (1); Likely pathogenic (1). Last evaluated 2025-08-21.

Conditions:
Osteogenesis imperfecta type I (OI1). Also called: OI, TYPE I; OSTEOGENESIS IMPERFECTA TARDA; OSTEOGENESIS IMPERFECTA WITH BLUE SCLERAE; Osteogenesis imperfecta type 1; Lobstein's Disease; Lobstein disease. Identifiers: Orphanet 216796, Orphanet 666, MedGen C0023931, MONDO:0008146, OMIM 166200. Disease mechanism: loss of function.

Submissions (2):

3billion
Classification: Likely pathogenic for Osteogenesis imperfecta type I. Last evaluated: 2025-08-21. Review status: criteria provided, single submitter. Criteria: ACMG Guidelines, 2015. Collection method: clinical testing. Allele origin: germline. Affected: yes.
Comment: The variant is not observed in the gnomAD v4.1.0 dataset. Predicted Consequence/Location: Missense variant In silico tool predictions suggest damaging effect of the variant on gene or gene product [REVEL: 0.69 (>=0.6, sensitivity 0.68 and specificity 0.92); 3Cnet: 0.94 (> 0.75, sensitivity 0.96 and precision 0.92)]. The same nucleotide change resulting in the same amino acid change has been previously reported to be associated with COL1A1-related disorder (ClinVar ID: VCV001455998 /PMID: 30715774).Different missense changes at the same codon (p.Asp1285Gly, p.Asp1285His) have been reported as pathogenic/likely pathogenic with strong evidence (ClinVar ID: VCV003384396 /PMID: 27509835, 36307859). Therefore, this variant is classified as Likely pathogenic according to the recommendation of ACMG/AMP guideline.

Labcorp Genetics (formerly Invitae), Labcorp
Classification: Pathogenic for Osteogenesis imperfecta type I. Last evaluated: 2021-06-13. Review status: criteria provided, single submitter. Criteria: Invitae Variant Classification Sherloc (09022015). Collection method: clinical testing. Allele origin: germline.
Comment: This variant is not present in population databases (ExAC no frequency). For these reasons, this variant has been classified as Pathogenic. This variant disrupts the p.Asp1285 amino acid residue in COL1A1. Other variant(s) that disrupt this residue have been determined to be pathogenic (PMID: 27509835, 30715774). This suggests that this residue is clinically significant, and that variants that disrupt this residue are likely to be disease-causing. Advanced modeling of protein sequence and biophysical properties (such as structural, functional, and spatial information, amino acid conservation, physicochemical variation, residue mobility, and thermodynamic stability) performed at Invitae indicates that this missense variant is expected to disrupt COL1A1 protein function. This missense change has been observed in individual(s) with osteogenesis imperfecta (PMID: 30715774). This sequence change replaces aspartic acid with glutamic acid at codon 1285 of the COL1A1 protein (p.Asp1285Glu). The aspartic acid residue is highly conserved and there is a small physicochemical difference between aspartic acid and glutamic acid.

Literature cited by the submitters: PubMed 27509835 (cited by 3billion and Labcorp Genetics (formerly Invitae), Labcorp); PubMed 30715774 (cited by 3billion and Labcorp Genetics (formerly Invitae), Labcorp).